The following is an entry in ClinVar:

NM_001035.3(RYR2):c.11092-8del

Gene: RYR2 (ryanodine receptor 2; plus strand). Cytogenetic location: 1q43.
Variant type: Deletion.
Coding change: c.11092-8del on transcript NM_001035.3 (MANE Select); 8 bases into the intron before coding-DNA position 11092, one base deleted (A; older notation c.11092-8delA).
Molecular consequence: intron variant.
Genome position (GRCh38, 1-based): chr1:237,742,288, A deleted; the last of 3 consecutive A bases (chr1:237,742,286-237,742,288); deleting any one gives the same sequence. VCF-style (leftmost placement, unchanged base first): chr1-237742285-TA-T. GRCh37 (hg19) VCF-style: chr1-237905585-TA-T.
Other names: c.11092-8del (NM_001035.2).
Identifiers: ClinVar variation 412833 (VCV000412833.15), dbSNP rs752640368, ClinGen allele CA1474961.

ClinVar aggregate classification (germline): Likely benign. Review status: criteria provided, single submitter (1 of 4 stars). 2 submissions from 2 submitters: Likely benign (1). 1 of the submissions does not count toward it. Last evaluated 2025-12-13.

Conditions:
RYR2-related disorder. Also called: RYR2-related condition.
Catecholaminergic polymorphic ventricular tachycardia 1. Also called: VENTRICULAR TACHYCARDIA, STRESS-INDUCED POLYMORPHIC 1; RYR2-Related Catecholaminergic Polymorphic Ventricular Tachycardia; VENTRICULAR TACHYCARDIA, CATECHOLAMINERGIC POLYMORPHIC, 1, WITH OR WITHOUT ATRIAL DYSFUNCTION AND/OR DILATED CARDIOMYOPATHY. Identifiers: Orphanet 3286, MedGen C1631597, MONDO:0011484, OMIM 604772.

Submissions (2):

Labcorp Genetics (formerly Invitae), Labcorp
Classification: Likely benign for Catecholaminergic polymorphic ventricular tachycardia 1. Last evaluated: 2025-12-13. Review status: criteria provided, single submitter. Criteria: Invitae Variant Classification Sherloc (09022015). Collection method: clinical testing. Allele origin: germline.

PreventionGenetics, part of Exact Sciences
Classification: Likely benign for RYR2-related condition. Last evaluated: 2020-11-30. Review status: no assertion criteria provided. Collection method: clinical testing. Allele origin: germline. Not counted in ClinVar's aggregate classification.
Comment: This variant is classified as likely benign based on ACMG/AMP sequence variant interpretation guidelines (Richards et al. 2015 PMID: 25741868, with internal and published modifications).